The following is an entry in ClinVar:

NM_001126108.2(SLC12A3):c.2872A>G (p.Arg958Gly)

Gene: SLC12A3 (solute carrier family 12 member 3; plus strand). Cytogenetic location: 16q13.
Variant type: single nucleotide variant.
Coding change: c.2872A>G on transcript NM_001126108.2 (MANE Select); coding-DNA position 2872, A replaced by G.
Protein change: p.Arg958Gly; replaces arginine 958 with glycine.
Molecular consequence: missense variant.
Genome position (GRCh38, 1-based): chr16:56,904,410, A>G. VCF-style: chr16-56904410-A-G. GRCh37 (hg19) VCF-style: chr16-56938322-A-G.
Other names: NP_000330.3:p.(Arg967Gly); c.2899A>G, p.Arg967Gly (NM_000339.3); c.2896A>G, p.Arg966Gly (NM_001126107.2); c.2869A>G, p.Arg957Gly (NM_001410896.1); c.2899A>G (NM_000339.2); short protein forms R958G, R966G, R957G, R967G.
Identifiers: ClinVar variation 3581074 (VCV003581074.4).

ClinVar aggregate classification (germline): Likely pathogenic. Review status: criteria provided, multiple submitters, no conflicts (2 of 4 stars). 4 submissions from 4 submitters: Likely pathogenic (4). Last evaluated 2026-01-05.

Conditions:
Familial hypokalemia-hypomagnesemia (GTLMNS). Also called: HYPOMAGNESEMIA-HYPOKALEMIA, PRIMARY RENOTUBULAR, WITH HYPOCALCIURIA; POTASSIUM AND MAGNESIUM DEPLETION; gitelman syndrome. Identifiers: Orphanet 358, MedGen C0268450, MONDO:0009904, OMIM 263800.

gnomAD v4.1: 9 of 1,613,840 alleles (0.00056%); highest among the groups gnomAD compares: Non-Finnish European, 0.00076%; no homozygotes.

Submissions (4):

Women's Health and Genetics/Laboratory Corporation of America, LabCorp
Classification: Likely pathogenic for Familial hypokalemia-hypomagnesemia. Last evaluated: 2026-01-05. Review status: criteria provided, single submitter. Criteria: LabCorp Variant Classification Summary - May 2015. Collection method: clinical testing. Allele origin: germline.
Comment: Variant summary: SLC12A3 c.2899A>G (p.Arg967Gly) results in a non-conservative amino acid change in the encoded protein sequence. Algorithms developed to predict the effect of missense changes on protein structure and function all suggest that this variant is likely to be disruptive. The variant allele was found at a frequency of 3.2e-05 in 251490 control chromosomes. c.2899A>G has been observed in individuals affected with Familial Hypokalemia-Hypomagnesemia/Hypokalemic Metabolic Acidosis (Syren_2002, Lata_2018, Zacchia_2021). These data indicate that the variant is likely to be associated with disease. To our knowledge, no experimental evidence demonstrating an impact on protein function has been reported. The following publications have been ascertained in the context of this evaluation (PMID: 29204651, 12112667, 33964006). ClinVar contains an entry for this variant (Variation ID: 3581074). Based on the evidence outlined above, the variant was classified as likely pathogenic.

Natera, Inc.
Classification: Likely pathogenic for Gitelman syndrome. Last evaluated: 2025-10-19. Review status: criteria provided, single submitter. Criteria: Natera Variant Classification Schema (03/2026). Collection method: clinical testing. Allele origin: germline.
Comment: The c.2899A>G variant in SLC12A3 is a missense variant predicted to cause substitution of arginine to glycine at amino acid 967. This variant is rare in the general population with a frequency below the threshold expected for the associated phenotype(s). This variant has been observed in one or more individuals affected with the associated recessive disease, as either homozygous or compound heterozygous with a second variant (PMID: 25422309, 17699451, 29204651, 22009145, 33964006). Computational prediction algorithms indicate this variant is likely to affect gene or protein function. Given the available evidence, this variant is classified as Likely Pathogenic.

Clinical Genetics Unit, University of Padua
Classification: Likely pathogenic for Familial hypokalemia-hypomagnesemia. Last evaluated: 2025-01-01. Review status: criteria provided, single submitter. Criteria: ACMG Guidelines, 2015. Collection method: clinical testing. Allele origin: germline. Affected: yes. Observed: 1 variant allele.
Comment: This variant affects the CTD of NCC (PM1); it is present in gnomAD with a European MAF of 1:131,000 (PM2); it was reported in trans with NM_000339.3:c.2929C>T, a pathogenic variant (PM3); it is a missense variant, which is the most common loss-of-function mechanism in SLC12A3 (PP2); ortholog alignment (M. musculus, B. taurus, O. anatinus, G. gallus, D. rerio, S. purpuratus, and C. elegans) and interpretation software (Franklin) predicted a deleterious effect (PP3).

Fulgent Genetics
Classification: Likely pathogenic for Familial hypokalemia-hypomagnesemia. Last evaluated: 2024-06-22. Review status: criteria provided, single submitter. Criteria: ACMG Guidelines, 2015. Collection method: clinical testing. Allele origin: germline.

Literature cited by the submitters: PubMed 29204651 (cited by Women's Health and Genetics/Laboratory Corporation of America, LabCorp and Natera, Inc.); PubMed 33964006 (cited by Women's Health and Genetics/Laboratory Corporation of America, LabCorp and Natera, Inc.); PubMed 12112667 (cited by Women's Health and Genetics/Laboratory Corporation of America, LabCorp); PubMed 25422309 (cited by Natera, Inc.); PubMed 17699451 (cited by Natera, Inc.); PubMed 22009145 (cited by Natera, Inc.).